The following is an entry in ClinVar:

NM_173651.4(FSIP2):c.9733A>C (p.Arg3245=)

Genes: FSIP2 (fibrous sheath interacting protein 2; plus strand), FSIP2-AS1 (FSIP2 antisense RNA 1; minus strand). Cytogenetic location: 2q32.1.
Variant type: single nucleotide variant.
Coding change: c.9733A>C on transcript NM_173651.4 (MANE Select); coding-DNA position 9733, A replaced by C.
Protein change: p.Arg3245=; no amino-acid change (arginine 3245 retained).
Molecular consequence: synonymous variant.
Genome position (GRCh38, 1-based): chr2:185,796,869, A>C. VCF-style: chr2-185796869-A-C. GRCh37 (hg19) VCF-style: chr2-186661596-A-C.
Identifiers: ClinVar variation 3045872 (VCV003045872.2), dbSNP rs556201890, ClinGen allele CA2016877.

ClinVar aggregate classification (germline): Likely benign (0 of 4 stars; one submission).

Conditions:
FSIP2-related disorder. Also called: FSIP2-related condition.

Allele frequency attached by ClinVar (database versions not stated): ExAC 0.00022; TOPMed 0.00048; gnomAD 0.00052.
gnomAD v4.1: 1,133 of 1,535,006 alleles (0.074%); highest among the groups gnomAD compares: Non-Finnish European, 0.092%; no homozygotes.

Submission:

PreventionGenetics, part of Exact Sciences
Classification: Likely benign for FSIP2-related condition. Last evaluated: 2019-11-08. Review status: no assertion criteria provided. Collection method: clinical testing. Allele origin: germline.
Comment: This variant is classified as likely benign based on ACMG/AMP sequence variant interpretation guidelines (Richards et al. 2015 PMID: 25741868, with internal and published modifications).